The following is an entry in ClinVar:

ClinVar aggregate classification (germline): Uncertain significance (1 of 4 stars; one submission).

Conditions:
Long QT syndrome (LQTS). Identifiers: MedGen C0023976, MeSH D008133, MONDO:0002442. Disease mechanism: loss of function. Inheritance: Various modes of inheritance.

Submission:

Labcorp Genetics (formerly Invitae), Labcorp
Classification: Uncertain significance for Long QT syndrome. Last evaluated: 2024-04-30. Review status: criteria provided, single submitter. Criteria: Invitae Variant Classification Sherloc (09022015). Collection method: clinical testing. Allele origin: germline.
Comment: This sequence change replaces phenylalanine, which is neutral and non-polar, with valine, which is neutral and non-polar, at codon 991 of the KCNH2 protein (p.Phe991Val). This variant is not present in population databases (gnomAD no frequency). This variant has not been reported in the literature in individuals affected with KCNH2-related conditions. An algorithm developed to predict the effect of missense changes on protein structure and function (PolyPhen-2) suggests that this variant is likely to be disruptive. In summary, the available evidence is currently insufficient to determine the role of this variant in disease. Therefore, it has been classified as a Variant of Uncertain Significance.

NM_000238.4(KCNH2):c.2971T>G (p.Phe991Val)

Gene: KCNH2 (potassium voltage-gated channel subfamily H member 2; minus strand). Cytogenetic location: 7q36.1.
Variant type: single nucleotide variant.
Coding change: c.2971T>G on transcript NM_000238.4 (MANE Select); coding-DNA position 2971, T replaced by G.
Protein change: p.Phe991Val; replaces phenylalanine 991 with valine.
Molecular consequence: missense variant. On other transcripts: non-coding transcript variant (2).
Genome position (GRCh38, 1-based): chr7:150,947,509, A>C on the plus strand (T>G on the coding strand, the complement: KCNH2 is on the minus strand). VCF-style: chr7-150947509-A-C. GRCh37 (hg19) VCF-style: chr7-150644597-A-C.
Other names: c.2683T>G, p.Phe895Val (NM_001406753.1); c.1951T>G, p.Phe651Val (NM_172057.3); short protein forms F651V, F895V, F991V.
Identifiers: ClinVar variation 3616584 (VCV003616584.2).